The following is an entry in ClinVar:

NM_016628.5(WAC):c.1614A>C (p.Ser538=)

Gene: WAC (WW domain containing adaptor with coiled-coil; plus strand). Cytogenetic location: 10p12.1.
Variant type: single nucleotide variant.
Coding change: c.1614A>C on transcript NM_016628.5 (MANE Select); coding-DNA position 1614, A replaced by C.
Protein change: p.Ser538=; no amino-acid change (serine 538 retained).
Molecular consequence: synonymous variant.
Genome position (GRCh38, 1-based): chr10:28,616,230, A>C. VCF-style: chr10-28616230-A-C. GRCh37 (hg19) VCF-style: chr10-28905159-A-C.
Other names: c.1479A>C, p.Ser493= (NM_100264.3); c.1305A>C, p.Ser435= (NM_100486.4).
Identifiers: ClinVar variation 4980127 (VCV004980127.1).

ClinVar aggregate classification (germline): Likely benign (1 of 4 stars; one submission).

Conditions:
WAC-related disorder. Also called: WAC-related condition.

gnomAD v4.1: 42 of 1,613,712 alleles (0.0026%); highest among the groups gnomAD compares: Non-Finnish European, 0.0035%; no homozygotes.

Submission:

PreventionGenetics, part of Exact Sciences
Classification: Likely benign for WAC-related condition. Last evaluated: 2025-11-04. Review status: criteria provided, single submitter. Criteria: ACMG Guidelines, 2015. Collection method: clinical testing. Allele origin: germline.
Comment: This variant is classified as likely benign based on ACMG/AMP sequence variant interpretation guidelines (Richards et al. 2015 PMID: 25741868, with internal and published modifications).